The following is an entry in ClinVar:

ClinVar aggregate classification (germline): Conflicting classifications of pathogenicity. Review status: criteria provided, conflicting classifications (1 of 4 stars). 2 submissions from 2 submitters: Pathogenic (1); Uncertain significance (1). Last evaluated 2023-05-11.

Submissions (2):

Labcorp Genetics (formerly Invitae), Labcorp
Classification: Pathogenic. Last evaluated: 2023-05-11. Review status: criteria provided, single submitter. Criteria: Invitae Variant Classification Sherloc (09022015). Collection method: clinical testing. Allele origin: germline.
Comment: For these reasons, this variant has been classified as Pathogenic. ClinVar contains an entry for this variant (Variation ID: 1693921). This variant has not been reported in the literature in individuals affected with SCP2-related conditions. This variant is not present in population databases (gnomAD no frequency). This sequence change creates a premature translational stop signal (p.Tyr64Cysfs*4) in the SCP2 gene. It is expected to result in an absent or disrupted protein product. Loss-of-function variants in SCP2 are known to be pathogenic (PMID: 16685654, 26497993).

Mayo Clinic Laboratories, Mayo Clinic
Classification: Uncertain significance. Last evaluated: 2021-09-20. Review status: criteria provided, single submitter. Criteria: ACMG Guidelines, 2015. Collection method: clinical testing. Allele origin: germline.

Literature cited by the submitters: PubMed 16685654 (cited by Labcorp Genetics (formerly Invitae), Labcorp); PubMed 26497993 (cited by Labcorp Genetics (formerly Invitae), Labcorp).

NM_002979.5(SCP2):c.191_192del (p.Tyr64fs)

Gene: SCP2 (sterol carrier protein 2; plus strand). Cytogenetic location: 1p32.3.
Variant type: Deletion.
Coding change: c.191_192del on transcript NM_002979.5 (MANE Select); coding-DNA positions 191 to 192, 2 bases deleted (AT; older notation c.191_192delAT).
Protein change: p.Tyr64fs; shifts the reading frame from tyrosine 64.
Molecular consequence: frameshift variant. On other transcripts: 5 prime UTR variant (1), intron variant (1).
Genome position (GRCh38, 1-based): chr1:52,948,072-52,948,073, AT deleted; deleting any 2 consecutive bases within chr1:52,948,071-52,948,073 gives the same sequence; the c. name uses the placement nearest the transcript's 3' end. VCF-style (leftmost placement, unchanged base first): chr1-52948070-CTA-C. GRCh37 (hg19) VCF-style: chr1-53413742-CTA-C.
Other names: c.191_192del, p.Tyr64fs (NM_001007098.3, NM_001193600.2, NM_001330587.2); c.-53_-52del (NM_001193617.2); c.128-2683_128-2682del (NM_001193599.2); short protein forms Y64fs.
Identifiers: ClinVar variation 1693921 (VCV001693921.7), dbSNP rs2150121906, ClinGen allele CA2574372647.